The following is an entry in ClinVar:

ClinVar aggregate classification (germline): Benign/Likely benign. Review status: criteria provided, multiple submitters, no conflicts (2 of 4 stars). 3 submissions from 3 submitters: Benign (1); Likely benign (2). Last evaluated 2024-05-30.

Conditions:
Familial cancer of breast. Also called: Hereditary breast cancer; hereditary breast carcinoma; BREAST CANCER, FAMILIAL. Identifiers: Orphanet 227535, MedGen C0346153, MONDO:0016419, OMIM 114480. Disease mechanism: loss of function.
Ataxia-telangiectasia syndrome (AT). Also called: Ataxia telangiectasia (A-T); ATAXIA-TELANGIECTASIA, COMPLEMENTATION GROUP A; ATAXIA-TELANGIECTASIA, FRESNO VARIANT; Ataxia-telangiectasia; Ataxia-telangiectasia, complementation group E; LOUIS-BAR SYNDROME. Identifiers: Orphanet 100, MedGen C0004135, MONDO:0008840, OMIM 208900.
Hereditary cancer-predisposing syndrome. Also called: Neoplastic Syndromes, Hereditary; Tumor predisposition; Hereditary Cancer Syndrome; Hereditary neoplastic syndrome. Identifiers: Orphanet 140162, MedGen C0027672, MeSH D009386, MONDO:0015356.

Submissions (3):

Myriad Genetics, Inc.
Classification: Benign for Familial cancer of breast. Last evaluated: 2024-05-30. Review status: criteria provided, single submitter. Criteria: Myriad Autosomal Dominant, Autosomal Recessive and X-Linked Classification Criteria (2023). Collection method: clinical testing. Allele origin: unknown.
Comment: This variant is considered benign. This variant is a silent/synonymous amino acid change and it is not expected to impact splicing.

Ambry Genetics
Classification: Likely benign for Hereditary cancer-predisposing syndrome. Last evaluated: 2023-05-03. Review status: criteria provided, single submitter. Criteria: Ambry Variant Classification Scheme 2023. Collection method: clinical testing. Allele origin: germline.

Labcorp Genetics (formerly Invitae), Labcorp
Classification: Likely benign for Ataxia-telangiectasia syndrome. Last evaluated: 2019-12-26. Review status: criteria provided, single submitter. Criteria: Invitae Variant Classification Sherloc (09022015). Collection method: clinical testing. Allele origin: germline.

NM_000051.4(ATM):c.6048T>C (p.Asp2016=)

Genes: ATM (ATM serine/threonine kinase; plus strand), C11orf65 (chromosome 11 open reading frame 65; minus strand). Cytogenetic location: 11q22.3.
Variant type: single nucleotide variant.
Coding change: c.6048T>C on transcript NM_000051.4 (MANE Select); coding-DNA position 6048, T replaced by C.
Protein change: p.Asp2016=; no amino-acid change (aspartic acid 2016 retained).
Molecular consequence: synonymous variant. On other transcripts: intron variant (2).
Genome position (GRCh38, 1-based): chr11:108,315,864, T>C. VCF-style: chr11-108315864-T-C. GRCh37 (hg19) VCF-style: chr11-108186591-T-C.
Other names: c.6048T>C, p.Asp2016= (NM_001351834.2); c.641-6793A>G (NM_001330368.2); c.*39-6793A>G (NM_001351110.2).
Identifiers: ClinVar variation 1092537 (VCV001092537.12), dbSNP rs2136119590, ClinGen allele CA476675595.